The following is an entry in ClinVar:

ClinVar aggregate classification (germline): Benign/Likely benign. Review status: criteria provided, multiple submitters, no conflicts (2 of 4 stars). 4 submissions from 4 submitters: Benign (3); Likely benign (1). Last evaluated 2026-02-03.

Conditions:
Sclerosteosis 2 (SOST2). Identifiers: Orphanet 3152, MedGen C3280402, MONDO:0013679, OMIM 614305.
Cenani-Lenz syndactyly syndrome. Also called: SYNDACTYLY, TYPE VII; CENANI SYNDACTYLISM. Identifiers: Orphanet 3258, MedGen C1859309, MONDO:0008931, OMIM 212780.
Congenital myasthenic syndrome 17. Identifiers: Orphanet 590, MedGen C4225377, MONDO:0014578, OMIM 616304.

Allele frequency attached by ClinVar (database versions not stated): gnomAD exomes 0.00488 and 0.01370; ExAC 0.01738; gnomAD 0.05170 and 0.05533; ESP Exome Variant Server 0.05892; TOPMed 0.05959; 1000 Genomes Project 0.06110; 1000 Genomes Project 30x 0.06574.
gnomAD v4.1: 15,395 of 1,613,154 alleles (0.95%); highest among the groups gnomAD compares: African/African-American, 18%; 1,274 homozygotes.

Submissions (4):

Labcorp Genetics (formerly Invitae), Labcorp
Classification: Benign for Cenani-Lenz syndactyly syndrome; Sclerosteosis 2; Congenital myasthenic syndrome 17. Last evaluated: 2026-02-03. Review status: criteria provided, single submitter. Criteria: Invitae Variant Classification Sherloc (09022015). Collection method: clinical testing. Allele origin: germline.

Mayo Clinic Laboratories, Mayo Clinic
Classification: Benign. Last evaluated: 2023-11-02. Review status: criteria provided, single submitter. Criteria: ACMG Guidelines, 2015. Collection method: clinical testing. Allele origin: germline. Observed: 19 variant alleles.
Comment: BA1, BS2, BP4

GeneDx
Classification: Benign. Last evaluated: 2018-07-27. Review status: criteria provided, single submitter. Criteria: GeneDx Variant Classification Process June 2021. Collection method: clinical testing. Allele origin: germline. Affected: yes.

Breakthrough Genomics
Classification: Likely benign. Review status: criteria provided, single submitter. Criteria: ACMG Guidelines, 2015. Collection method: not provided. Allele origin: germline. Inheritance: Autosomal recessive inheritance. Affected: yes.

NM_002334.4(LRP4):c.1695G>A (p.Glu565=)

Gene: LRP4 (LDL receptor related protein 4; minus strand). Cytogenetic location: 11p11.2.
Variant type: single nucleotide variant.
Coding change: c.1695G>A on transcript NM_002334.4 (MANE Select); coding-DNA position 1695, G replaced by A.
Protein change: p.Glu565=; no amino-acid change (glutamic acid 565 retained).
Molecular consequence: synonymous variant.
Genome position (GRCh38, 1-based): chr11:46,892,975, C>T on the plus strand (G>A on the coding strand, the complement: LRP4 is on the minus strand). VCF-style: chr11-46892975-C-T. GRCh37 (hg19) VCF-style: chr11-46914526-C-T.
Other names: p.Glu565=.
Identifiers: ClinVar variation 304883 (VCV000304883.20), dbSNP rs61741501, ClinGen allele CA5970090.